The following is an entry in ClinVar:

NM_020745.4(AARS2):c.985C>T (p.Arg329Cys)

Gene: AARS2 (alanyl-tRNA synthetase 2, mitochondrial; minus strand). Cytogenetic location: 6p21.1.
Variant type: single nucleotide variant.
Coding change: c.985C>T on transcript NM_020745.4 (MANE Select); coding-DNA position 985, C replaced by T.
Protein change: p.Arg329Cys; replaces arginine 329 with cysteine.
Molecular consequence: missense variant.
Genome position (GRCh38, 1-based): chr6:44,307,304, G>A on the plus strand (C>T on the coding strand, the complement: AARS2 is on the minus strand). VCF-style: chr6-44307304-G-A. GRCh37 (hg19) VCF-style: chr6-44275041-G-A.
Other names: c.985C>T (NM_020745.2); short protein forms R329C.
Identifiers: ClinVar variation 357074 (VCV000357074.13), dbSNP rs200187887, ClinGen allele CA3834494.

ClinVar aggregate classification (germline): Conflicting classifications of pathogenicity. Review status: criteria provided, conflicting classifications (1 of 4 stars). 4 submissions from 4 submitters: Likely pathogenic (1); Uncertain significance (3). Last evaluated 2025-07-09.

Conditions:
Combined oxidative phosphorylation defect type 8. Also called: CARDIOMYOPATHY, HYPERTROPHIC MITOCHONDRIAL, FATAL INFANTILE. Identifiers: Orphanet 319504, MedGen C4518839, MONDO:0013570, OMIM 614096.

Allele frequency attached by ClinVar (database versions not stated): gnomAD exomes 0.00001 and 0.00002; gnomAD 0.00001; ESP Exome Variant Server 0.00008; ExAC 0.00002; TOPMed 0.00002.
gnomAD v4.1: 23 of 1,613,796 alleles (0.0014%); highest among the groups gnomAD compares: African/African-American, 0.0027%; no homozygotes.

Submissions (4):

GeneDx
Classification: Uncertain significance. Last evaluated: 2025-07-09. Review status: criteria provided, single submitter. Criteria: GeneDx Variant Classification Process June 2021. Collection method: clinical testing. Allele origin: germline. Affected: yes.
Comment: Not observed at significant frequency in large population cohorts (gnomAD); In silico analysis supports that this missense variant has a deleterious effect on protein structure/function; Observed with a second variant in AARS2 in a patient with dyskinesia, ataxia, nystagmus, and leukodystrophy (Jin H et al. (2021) Chinese Journal of Neurology. 12 :802-7); This variant is associated with the following publications: (PMID: Jin_2021, 22277967)

Centre for Mendelian Genomics, University Medical Centre Ljubljana
Classification: Uncertain significance for Combined oxidative phosphorylation defect type 8. Last evaluated: 2019-05-13. Review status: criteria provided, single submitter. Criteria: ACMG Guidelines, 2015. Collection method: clinical testing. Allele origin: unknown. Affected: yes.
Comment: This variant was classified as: Uncertain significance. The available evidence favors the pathogenic nature of this variant, however the currently available data is insufficient to conclusively support its pathogenic nature. Thus this variant is classified as Uncertain significance - favor pathogenic. The following ACMG criteria were applied in classifying this variant: PM2,PP2,PP3,PP5.

Illumina Laboratory Services, Illumina
Classification: Uncertain significance for Combined oxidative phosphorylation defect type 8. Last evaluated: 2018-01-12. Review status: criteria provided, single submitter. Criteria: ICSL Variant Classification Criteria 13 December 2019. Collection method: clinical testing. Allele origin: germline.

Institute of Human Genetics Munich, TUM University Hospital
Classification: Likely pathogenic for Combined oxidative phosphorylation defect type 8. Last evaluated: 2017-09-08. Review status: criteria provided, single submitter. Criteria: Classification criteria August 2017. Collection method: clinical testing. Allele origin: paternal. Inheritance: Autosomal recessive inheritance. Affected: yes. Observed: 1 compound heterozygote.